The following is an entry in ClinVar:

NM_001077350.3(NPRL3):c.767+14C>G

Genes: HBA-LCR (alpha-globin locus control region; plus strand), NPRL3 (NPR3 like, GATOR1 complex subunit; minus strand). Cytogenetic location: 16p13.3.
Variant type: single nucleotide variant.
Coding change: c.767+14C>G on transcript NM_001077350.3 (MANE Select); 14 bases into the intron after coding-DNA position 767, C replaced by G.
Molecular consequence: intron variant.
Genome position (GRCh38, 1-based): chr16:100,358, G>C on the plus strand (C>G on the coding strand, the complement: NPRL3 is on the minus strand). VCF-style: chr16-100358-G-C. GRCh37 (hg19) VCF-style: chr16-150356-G-C.
Other names: c.533+14C>G (NM_001243247.2); c.692+14C>G (NM_001243248.2, NM_001243249.2); c.230+14C>G (NM_001039476.3).
Identifiers: ClinVar variation 3233477 (VCV003233477.2), dbSNP rs940715864, ClinGen allele CA276411418.

ClinVar aggregate classification (germline): Likely benign (1 of 4 stars; one submission).

Allele frequency attached by ClinVar (database versions not stated): gnomAD exomes below 0.00001.
gnomAD v4.1: 1 of 1,509,802 alleles (0.000066%); highest among the groups gnomAD compares: Non-Finnish European, 0.000089%; no homozygotes.

Submission:

Women's Health and Genetics/Laboratory Corporation of America, LabCorp
Classification: Likely benign. Last evaluated: 2024-03-12. Review status: criteria provided, single submitter. Criteria: LabCorp Variant Classification Summary - May 2015. Collection method: clinical testing. Allele origin: germline.
Comment: Variant summary: C16orf35 c.767+14C>G alters a conserved nucleotide located at a position not widely known to affect splicing. Consensus agreement among computation tools predict no significant impact on normal splicing. However, these predictions have yet to be confirmed by functional studies. The frequency data for this variant in gnomAD is considered unreliable, as metrics indicate poor data quality at this position. To our knowledge, no occurrence of c.767+14C>G in individuals affected with Epilepsy, Familial Focal, With Variable Foci 3 and no experimental evidence demonstrating its impact on protein function have been reported. No submitters have cited clinical-significance assessments for this variant to ClinVar. Based on the evidence outlined above, the variant was classified as likely benign.